The following is an entry in ClinVar:

NM_001385012.1(NBEA):c.1680+5G>C

Gene: NBEA (neurobeachin; plus strand). Cytogenetic location: 13q13.3.
Variant type: single nucleotide variant.
Coding change: c.1680+5G>C on transcript NM_001385012.1 (MANE Select); 5 bases into the intron after coding-DNA position 1680, G replaced by C.
Molecular consequence: intron variant.
Genome position (GRCh38, 1-based): chr13:35,098,410, G>C. VCF-style: chr13-35098410-G-C. GRCh37 (hg19) VCF-style: chr13-35672547-G-C.
Other names: c.1680+5G>C (NM_015678.5, NM_001379245.1).
Identifiers: ClinVar variation 4531454 (VCV004531454.1).
Genomic context (GRCh38, chr13:35,098,410, plus strand): 5'-AAGAACAGATGCTGGGTGGAAAAGGCTTTTTAGTCATTGGCTACTTACTTGAAAAGGTAA[G>C]TGATATGTGTTGATGGTTTTATTGTGTAGCTTCACAGTTGGACAGCTGTTAATCACTAAT-3'

ClinVar aggregate classification (germline): Uncertain significance (1 of 4 stars; one submission).

Conditions:
Neurodevelopmental disorder with or without early-onset generalized epilepsy. Identifiers: MedGen C5436914, MONDO:0030930, OMIM 619157.

Submission:

Victorian Clinical Genetics Services, Murdoch Childrens Research Institute
Classification: Uncertain significance for Neurodevelopmental disorder with or without early-onset generalized epilepsy. Last evaluated: 2025-08-25. Review status: criteria provided, single submitter. Criteria: ACMG Guidelines, 2015. Collection method: clinical testing. Allele origin: germline. Affected: yes.
Comment: This variant is classified as VUS-3A. Evidence in support of pathogenic classification: Non-canonical splice site variant without proven consequence on splicing (no functional evidence available); Variant is absent from gnomAD (v2, v3 and v4). Additional information: This variant is heterozygous; This gene is associated with autosomal dominant disease; This variant has no previous evidence of pathogenicity; No published evidence of segregation with disease has been identified for this variant; No published functional evidence has been identified for this variant; No comparable splice variants have previous evidence for pathogenicity; In silico prediction for abnormal splicing and nucleotide conservation are conflicting; Loss of function is a known mechanism of disease in this gene and is associated with neurodevelopmental disorder with or without early-onset generalised epilepsy (MIM#619157); Inheritance information for this variant is not currently available in this individual.